The following is an entry in ClinVar:

ClinVar aggregate classification (germline): Uncertain significance. Review status: criteria provided, multiple submitters, no conflicts (2 of 4 stars). 2 submissions from 2 submitters: Uncertain significance (2). Last evaluated 2024-11-18.

Allele frequency attached by ClinVar (database versions not stated): gnomAD 0.00001; TOPMed 0.00002.

Submissions (2):

Blueprint Genetics
Classification: Uncertain significance. Last evaluated: 2024-11-18. Review status: criteria provided, single submitter. Criteria: ACMG Guidelines, 2015. Collection method: clinical testing. Allele origin: germline.

Labcorp Genetics (formerly Invitae), Labcorp
Classification: Uncertain significance. Last evaluated: 2022-08-05. Review status: criteria provided, single submitter. Criteria: Invitae Variant Classification Sherloc (09022015). Collection method: clinical testing. Allele origin: germline.
Comment: This sequence change replaces serine, which is neutral and polar, with phenylalanine, which is neutral and non-polar, at codon 84 of the MRPS34 protein (p.Ser84Phe). This variant is present in population databases (no rsID available, gnomAD 0.004%). This variant has not been reported in the literature in individuals affected with MRPS34-related conditions. Algorithms developed to predict the effect of missense changes on protein structure and function are either unavailable or do not agree on the potential impact of this missense change (SIFT: "Deleterious"; PolyPhen-2: "Probably Damaging"; Align-GVGD: "Class C0"). In summary, the available evidence is currently insufficient to determine the role of this variant in disease. Therefore, it has been classified as a Variant of Uncertain Significance.

NM_023936.2(MRPS34):c.251C>T (p.Ser84Phe)

Genes: EME2 (essential meiotic structure-specific endonuclease subunit 2; plus strand), MRPS34 (mitochondrial ribosomal protein S34; minus strand), LOC130058183 (ATAC-STARR-seq lymphoblastoid silent region 7002; plus strand). Cytogenetic location: 16p13.3.
Variant type: single nucleotide variant.
Coding change: c.251C>T on transcript NM_023936.2 (MANE Select); coding-DNA position 251, C replaced by T.
Protein change: p.Ser84Phe; replaces serine 84 with phenylalanine.
Molecular consequence: missense variant. On other transcripts: 5 prime UTR variant (1).
Genome position (GRCh38, 1-based): chr16:1,772,869, G>A on the plus strand (C>T on the coding strand, the complement: MRPS34 is on the minus strand). VCF-style: chr16-1772869-G-A. GRCh37 (hg19) VCF-style: chr16-1822870-G-A.
Other names: c.-359G>A (NM_001257370.2); c.251C>T, p.Ser84Phe (NM_001300900.2); short protein forms S84F.
Identifiers: ClinVar variation 2182042 (VCV002182042.4), dbSNP rs964306396, ClinGen allele CA276723970.